The following is an entry in ClinVar:

ClinVar aggregate classification (germline): Uncertain significance. Review status: criteria provided, multiple submitters, no conflicts (2 of 4 stars). 2 submissions from 2 submitters: Uncertain significance (2). Last evaluated 2024-11-23.

Conditions:
Baller-Gerold syndrome (BGS). Also called: CRANIOSYNOSTOSIS WITH RADIAL DEFECTS. Identifiers: Orphanet 1225, MedGen C0265308, MONDO:0009039, OMIM 218600.
Inborn genetic diseases. Identifiers: MedGen C0950123, MeSH D030342.

Allele frequency attached by ClinVar (database versions not stated): gnomAD exomes below 0.00001.
gnomAD v4.1: 2 of 1,612,382 alleles (0.00012%); highest among the groups gnomAD compares: Non-Finnish European, 0.00017%; no homozygotes.

Submissions (2):

Ambry Genetics
Classification: Uncertain significance for Inborn genetic diseases. Last evaluated: 2024-11-23. Review status: criteria provided, single submitter. Criteria: Ambry Variant Classification Scheme 2023. Collection method: clinical testing. Allele origin: germline.
Comment: The p.A1174T variant (also known as c.3520G>A), located in coding exon 21 of the RECQL4 gene, results from a G to A substitution at nucleotide position 3520. The alanine at codon 1174 is replaced by threonine, an amino acid with similar properties. This amino acid position is conserved. Based on the available evidence, the clinical significance of this variant remains unclear.

Labcorp Genetics (formerly Invitae), Labcorp
Classification: Uncertain significance for Baller-Gerold syndrome. Last evaluated: 2022-04-08. Review status: criteria provided, single submitter. Criteria: Invitae Variant Classification Sherloc (09022015). Collection method: clinical testing. Allele origin: germline.
Comment: This sequence change replaces alanine, which is neutral and non-polar, with threonine, which is neutral and polar, at codon 1174 of the RECQL4 protein (p.Ala1174Thr). This variant is not present in population databases (gnomAD no frequency). This variant has not been reported in the literature in individuals affected with RECQL4-related conditions. In summary, the available evidence is currently insufficient to determine the role of this variant in disease. Therefore, it has been classified as a Variant of Uncertain Significance.

NM_004260.4(RECQL4):c.3520G>A (p.Ala1174Thr)

Gene: RECQL4 (RecQ like helicase 4; minus strand). Cytogenetic location: 8q24.3.
Variant type: single nucleotide variant.
Coding change: c.3520G>A on transcript NM_004260.4 (MANE Select); coding-DNA position 3520, G replaced by A.
Protein change: p.Ala1174Thr; replaces alanine 1174 with threonine.
Molecular consequence: missense variant.
Genome position (GRCh38, 1-based): chr8:144,511,538, C>T on the plus strand (G>A on the coding strand, the complement: RECQL4 is on the minus strand). VCF-style: chr8-144511538-C-T. GRCh37 (hg19) VCF-style: chr8-145736921-C-T.
Other names: c.3520G>A (NM_004260.3); c.3226G>A, p.Ala1076Thr (NM_001413017.1); c.3322G>A, p.Ala1108Thr (NM_001413018.1); c.3595G>A, p.Ala1199Thr (NM_001413019.1); c.3424G>A, p.Ala1142Thr (NM_001413020.1); c.2449G>A, p.Ala817Thr (NM_001413021.1, NM_001413022.1, NM_001413024.1 and 4 more transcripts); c.2524G>A, p.Ala842Thr (NM_001413023.1); c.3391G>A, p.Ala1131Thr (NM_001413025.1); and 10 more; short protein forms A1108T, A1142T, A1177T, A1199T, A751T, A795T, A820T, A1174T.
Identifiers: ClinVar variation 2148424 (VCV002148424.6), dbSNP rs1452579046, ClinGen allele CA372666120.
Genomic context (GRCh38, chr8:144,511,538, plus strand): 5'-CATGGAAGCTCAGGTGCAGGTATTTTCTCCAGAAGCGTCGGTCCTGCCCGTACACCTGGG[C>T]CGGGTAGCAGGGGCTTCCTACGGTGGAGCCAAGACACAGCCGTGAGCCCCAGCCCCAGCC-3'
Protein context (NP_004251.4, residues 1164-1184): FHGIGSPCYP[Ala1174Thr]QVYGQDRRFW